The following is an entry in ClinVar:

ClinVar aggregate classification (germline): Uncertain significance. Review status: criteria provided, multiple submitters, no conflicts (2 of 4 stars). 2 submissions from 2 submitters: Uncertain significance (2). Last evaluated 2024-12-01.

Conditions:
Holoprosencephaly 5 (HPE5). Identifiers: Orphanet 2162, MedGen C1864827, MONDO:0012322, OMIM 609637.

Submissions (2):

CeGaT Center for Human Genetics Tuebingen
Classification: Uncertain significance. Last evaluated: 2024-12-01. Review status: criteria provided, single submitter. Criteria: CeGaT Center For Human Genetics Tuebingen Variant Classification Criteria Version 2. Collection method: clinical testing. Allele origin: germline. Affected: yes. Observed: 1 variant allele.
Comment: ZIC2: PM2, PP2

Labcorp Genetics (formerly Invitae), Labcorp
Classification: Uncertain significance for Holoprosencephaly 5. Last evaluated: 2024-07-19. Review status: criteria provided, single submitter. Criteria: Invitae Variant Classification Sherloc (09022015). Collection method: clinical testing. Allele origin: germline.
Comment: This sequence change replaces proline, which is neutral and non-polar, with alanine, which is neutral and non-polar, at codon 163 of the ZIC2 protein (p.Pro163Ala). This variant is not present in population databases (gnomAD no frequency). This variant has not been reported in the literature in individuals affected with ZIC2-related conditions. Advanced modeling of protein sequence and biophysical properties (such as structural, functional, and spatial information, amino acid conservation, physicochemical variation, residue mobility, and thermodynamic stability) performed at Invitae indicates that this missense variant is not expected to disrupt ZIC2 protein function with a negative predictive value of 80%. In summary, the available evidence is currently insufficient to determine the role of this variant in disease. Therefore, it has been classified as a Variant of Uncertain Significance.

NM_007129.5(ZIC2):c.487C>G (p.Pro163Ala)

Gene: ZIC2 (Zic family zinc finger 2; plus strand). Cytogenetic location: 13q32.3.
Variant type: single nucleotide variant.
Coding change: c.487C>G on transcript NM_007129.5 (MANE Select); coding-DNA position 487, C replaced by G.
Protein change: p.Pro163Ala; replaces proline 163 with alanine.
Molecular consequence: missense variant.
Genome position (GRCh38, 1-based): chr13:99,982,551, C>G. VCF-style: chr13-99982551-C-G. GRCh37 (hg19) VCF-style: chr13-100634805-C-G.
Other names: short protein forms P163A.
Identifiers: ClinVar variation 3659344 (VCV003659344.15).